The following is an entry in ClinVar:

NM_001353921.2(ARHGEF9):c.948C>A (p.Gly316=)

Gene: ARHGEF9 (Cdc42 guanine nucleotide exchange factor 9; minus strand). Cytogenetic location: Xq11.1.
Variant type: single nucleotide variant.
Coding change: c.948C>A on transcript NM_001353921.2 (MANE Select); coding-DNA position 948, C replaced by A.
Protein change: p.Gly316=; no amino-acid change (glycine 316 retained).
Molecular consequence: synonymous variant. On other transcripts: intron variant (5).
Genome position (GRCh38, 1-based): chrX:63,666,015, G>T on the plus strand (C>A on the coding strand, the complement: ARHGEF9 is on the minus strand). VCF-style: chrX-63666015-G-T. GRCh37 (hg19) VCF-style: chrX-62885895-G-T.
Other names: c.768C>A, p.Gly256= (NM_001173479.2); c.621C>A, p.Gly207= (NM_001173480.2, NM_001369042.1); c.864C>A, p.Gly288= (NM_001330495.2, NM_001369033.1, NM_001369034.1 and 6 more transcripts); c.966C>A, p.Gly322= (NM_001353923.1); c.747C>A, p.Gly249= (NM_001353924.2, NM_001353926.2, NM_001369039.1 and 1 more transcripts); c.927C>A, p.Gly309= (NM_001369030.1, NM_001369031.1, NM_001369032.1 and 1 more transcripts); c.945+8023C>A (NM_001353922.2); c.861+8023C>A (NM_001369041.1, NM_001353927.2); and 2 more.
Identifiers: ClinVar variation 388020 (VCV000388020.1), dbSNP rs141158169, ClinGen allele CA16608895.

ClinVar aggregate classification (germline): Likely benign (1 of 4 stars; one submission).

gnomAD v4.1: 1 of 1,208,607 alleles (0.000083%); no homozygotes.

Submission:

GeneDx
Classification: Likely benign. Last evaluated: 2016-07-22. Review status: criteria provided, single submitter. Criteria: GeneDx Variant Classification (06012015). Collection method: clinical testing. Allele origin: germline. Affected: yes.
Comment: This variant is considered likely benign or benign based on one or more of the following criteria: it is a conservative change, it occurs at a poorly conserved position in the protein, it is predicted to be benign by multiple in silico algorithms, and/or has population frequency not consistent with disease.